The following is an entry in ClinVar:

ClinVar aggregate classification (germline): Conflicting classifications of pathogenicity. Review status: criteria provided, conflicting classifications (1 of 4 stars). 4 submissions from 4 submitters: Uncertain significance (1); Benign (1); Likely benign (2). Last evaluated 2026-01-21.

Conditions:
Primary ciliary dyskinesia 21. Also called: CILIARY DYSKINESIA, PRIMARY, 21, WITHOUT SITUS INVERSUS. Identifiers: Orphanet 244, MedGen C3809087, MONDO:0014123, OMIM 615294.
Primary ciliary dyskinesia. Also called: Ciliary dyskinesia. Identifiers: Orphanet 244, MedGen C0008780, MONDO:0016575, HP:0012265.

Allele frequency attached by ClinVar (database versions not stated): gnomAD exomes 0.00011 and 0.00030; ExAC 0.00035; 1000 Genomes Project 30x 0.00078; 1000 Genomes Project 0.00080; ESP Exome Variant Server 0.00085; gnomAD 0.00138 and 0.00149; TOPMed 0.00155.
gnomAD v4.1: 372 of 1,614,070 alleles (0.023%); highest among the groups gnomAD compares: African/African-American, 0.45%; 4 homozygotes.

Submissions (4):

Labcorp Genetics (formerly Invitae), Labcorp
Classification: Benign for Primary ciliary dyskinesia. Last evaluated: 2026-01-21. Review status: criteria provided, single submitter. Criteria: Invitae Variant Classification Sherloc (09022015). Collection method: clinical testing. Allele origin: germline.

ARUP Laboratories, Molecular Genetics and Genomics, ARUP Laboratories
Classification: Uncertain significance. Last evaluated: 2025-01-30. Review status: criteria provided, single submitter. Criteria: ARUP Molecular Germline Variant Investigation Process 2024. Collection method: clinical testing. Allele origin: germline.
Comment: The DRC1 c.2223A>C; p.Ter741CysextTer13 variant (rs151184011), to our knowledge, is not reported in the medical literature but is reported in ClinVar (Variation ID: 454988). This variant is found in the African/African-American population with an allele frequency of 0.4% (108/24,968 alleles, including 3 homozygotes) in the Genome Aggregation Database (v2.1.1). This variant abolishes the canonical termination codon, resulting in an elongated protein that includes 13 additional amino acids. While the high population frequency suggests that this is likely a benign variant, given the lack of clinical and functional data, the significance of this variant is uncertain at this time.

Blueprint Genetics
Classification: Likely benign. Last evaluated: 2023-11-13. Review status: criteria provided, single submitter. Criteria: ACMG Guidelines, 2015. Collection method: clinical testing. Allele origin: germline.

Fulgent Genetics
Classification: Likely benign for Primary ciliary dyskinesia 21. Last evaluated: 2022-04-22. Review status: criteria provided, single submitter. Criteria: ACMG Guidelines, 2015. Collection method: clinical testing. Allele origin: unknown.

NM_145038.5(DRC1):c.2223A>C (p.Ter741Cys)

Gene: DRC1 (dynein regulatory complex subunit 1; plus strand). Cytogenetic location: 2p23.3.
Variant type: single nucleotide variant.
Coding change: c.2223A>C on transcript NM_145038.5 (MANE Select); coding-DNA position 2223, A replaced by C.
Protein change: p.Ter741Cys.
Molecular consequence: stop lost.
Genome position (GRCh38, 1-based): chr2:26,456,517, A>C. VCF-style: chr2-26456517-A-C. GRCh37 (hg19) VCF-style: chr2-26679385-A-C.
Other names: *741C.
Identifiers: ClinVar variation 454988 (VCV000454988.15), dbSNP rs151184011, ClinGen allele CA1562587.